The following is an entry in ClinVar:

NM_024656.4(COLGALT1):c.371+3G>C

Gene: COLGALT1 (collagen beta(1-O)galactosyltransferase 1; plus strand). Cytogenetic location: 19p13.11.
Variant type: single nucleotide variant.
Coding change: c.371+3G>C on transcript NM_024656.4 (MANE Select); 3 bases into the intron after coding-DNA position 371, G replaced by C.
Molecular consequence: intron variant.
Genome position (GRCh38, 1-based): chr19:17,559,424, G>C. VCF-style: chr19-17559424-G-C. GRCh37 (hg19) VCF-style: chr19-17670233-G-C.
Identifiers: ClinVar variation 2075966 (VCV002075966.3), dbSNP rs1376478669, ClinGen allele CA632053715.

ClinVar aggregate classification (germline): Uncertain significance (1 of 4 stars; one submission).

Allele frequency attached by ClinVar (database versions not stated): gnomAD 0.00001; TOPMed 0.00001.
gnomAD v4.1: 4 of 1,549,854 alleles (0.00026%); highest among the groups gnomAD compares: Admixed American, 0.0079%; no homozygotes.

Submission:

Labcorp Genetics (formerly Invitae), Labcorp
Classification: Uncertain significance. Last evaluated: 2022-01-27. Review status: criteria provided, single submitter. Criteria: Invitae Variant Classification Sherloc (09022015). Collection method: clinical testing. Allele origin: germline.
Comment: In summary, the available evidence is currently insufficient to determine the role of this variant in disease. Therefore, it has been classified as a Variant of Uncertain Significance. Variants that disrupt the consensus splice site are a relatively common cause of aberrant splicing (PMID: 17576681, 9536098). Experimental studies and prediction algorithms are not available or were not evaluated, and the effect of this variant on mRNA splicing is currently unknown. This variant has not been reported in the literature in individuals affected with COLGALT1-related conditions. This variant is present in population databases (no rsID available, gnomAD 0.01%). This sequence change falls in intron 2 of the COLGALT1 gene. It does not directly change the encoded amino acid sequence of the COLGALT1 protein. It affects a nucleotide within the consensus splice site.

Literature cited by the submitters: PubMed 17576681; PubMed 9536098.